The following is an entry in ClinVar:

NM_031229.4(RBCK1):c.1374C>T (p.Asp458=)

Gene: RBCK1 (RANBP2-type and C3HC4-type zinc finger containing 1; plus strand). Cytogenetic location: 20p13.
Variant type: single nucleotide variant.
Coding change: c.1374C>T on transcript NM_031229.4 (MANE Select); coding-DNA position 1374, C replaced by T.
Protein change: p.Asp458=; no amino-acid change (aspartic acid 458 retained).
Molecular consequence: synonymous variant. On other transcripts: non-coding transcript variant (1).
Genome position (GRCh38, 1-based): chr20:429,016, C>T. VCF-style: chr20-429016-C-T. GRCh37 (hg19) VCF-style: chr20-409660-C-T.
Other names: c.1374C>T (NM_031229.3); c.864C>T, p.Asp288= (NM_001323956.2, NM_001323958.2); c.1248C>T, p.Asp416= (NM_006462.6).
Identifiers: ClinVar variation 1662386 (VCV001662386.10), dbSNP rs780494996, ClinGen allele CA9723360.

ClinVar aggregate classification (germline): Likely benign. Review status: criteria provided, multiple submitters, no conflicts (2 of 4 stars). 3 submissions from 3 submitters: Likely benign (3). Last evaluated 2025-10-08.

Conditions:
RBCK1-related disorder. Also called: RBCK1-related condition.
Polyglucosan body myopathy type 1 (PGBM1). Also called: POLYGLUCOSAN BODY MYOPATHY WITHOUT IMMUNODEFICIENCY; Polyglucosan body myopathy 1 with or without immunodeficiency. Identifiers: Orphanet 329173, Orphanet 397937, MedGen C4014605, MONDO:0014389, OMIM 615895.

Allele frequency attached by ClinVar (database versions not stated): gnomAD exomes 0.00002 and 0.00003; ExAC 0.00003; gnomAD 0.00004; TOPMed 0.00004.
gnomAD v4.1: 27 of 1,612,294 alleles (0.0017%); highest among the groups gnomAD compares: East Asian, 0.0089%; no homozygotes.

Submissions (3):

PreventionGenetics, part of Exact Sciences
Classification: Likely benign for RBCK1-related condition. Last evaluated: 2025-10-08. Review status: criteria provided, single submitter. Criteria: ACMG Guidelines, 2015. Collection method: clinical testing. Allele origin: germline.
Comment: This variant is classified as likely benign based on ACMG/AMP sequence variant interpretation guidelines (Richards et al. 2015 PMID: 25741868, with internal and published modifications).

Labcorp Genetics (formerly Invitae), Labcorp
Classification: Likely benign for Polyglucosan body myopathy type 1. Last evaluated: 2025-02-23. Review status: criteria provided, single submitter. Criteria: Invitae Variant Classification Sherloc (09022015). Collection method: clinical testing. Allele origin: germline.

Blueprint Genetics
Classification: Likely benign. Last evaluated: 2021-10-27. Review status: criteria provided, single submitter. Criteria: ACMG Guidelines, 2015. Collection method: clinical testing. Allele origin: germline.